The following is an entry in ClinVar:

NM_005321.3(H1-4):c.277del (p.Leu93fs)

Gene: H1-4 (H1.4 linker histone, cluster member; plus strand). Cytogenetic location: 6p22.2.
Variant type: Deletion.
Coding change: c.277del on transcript NM_005321.3 (MANE Select); coding-DNA position 277, one base deleted (C; older notation c.277delC).
Protein change: p.Leu93fs; shifts the reading frame from leucine 93.
Molecular consequence: frameshift variant.
Genome position (GRCh38, 1-based): chr6:26,156,667, C deleted; the last of 3 consecutive C bases (chr6:26,156,665-26,156,667); deleting any one gives the same sequence. VCF-style (leftmost placement, unchanged base first): chr6-26156664-AC-A. GRCh37 (hg19) VCF-style: chr6-26156892-AC-A.
Other names: c.277delC (NM_005321.2); c.277del (NM_005321.2); short protein forms L93fs.
Identifiers: ClinVar variation 432775 (VCV000432775.3), dbSNP rs1554162761, ClinGen allele CA645372816.

ClinVar aggregate classification (germline): Likely pathogenic (1 of 4 stars; one submission).

Submission:

GeneDx
Classification: Likely pathogenic. Last evaluated: 2026-02-05. Review status: criteria provided, single submitter. Criteria: GeneDx Variant Classification Process June 2021. Collection method: clinical testing. Allele origin: germline. Affected: yes.
Comment: Frameshift variant predicted to result in abnormal protein length as the last 127 amino acid(s) are replaced with 135 different amino acid(s), and other similar variants have been reported in HGMD; Not observed at significant frequency in large population cohorts (gnomAD); Has not been previously published as pathogenic or benign to our knowledge